The following is an entry in ClinVar:

NM_000350.3(ABCA4):c.6005+1G>A

Gene: ABCA4 (ATP binding cassette subfamily A member 4; minus strand). Cytogenetic location: 1p22.1.
Variant type: single nucleotide variant.
Coding change: c.6005+1G>A on transcript NM_000350.3 (MANE Select); the canonical splice donor site of the intron after coding-DNA position 6005, G replaced by A.
Molecular consequence: splice donor variant.
Genome position (GRCh38, 1-based): chr1:94,007,633, C>T on the plus strand (G>A on the coding strand, the complement: ABCA4 is on the minus strand). VCF-style: chr1-94007633-C-T. GRCh37 (hg19) VCF-style: chr1-94473189-C-T.
Identifiers: ClinVar variation 865769 (VCV000865769.11), dbSNP rs61748517, ClinGen allele CA341279336.

ClinVar aggregate classification (germline): Pathogenic. Review status: criteria provided, multiple submitters, no conflicts (2 of 4 stars). 3 submissions from 3 submitters: Pathogenic (3). Last evaluated 2024-10-01.

Conditions:
ABCA4-related disorder. Also called: ABCA4-related condition; ABCA4-related disorders. Identifiers: MedGen CN239167.
Cone dystrophy. Identifiers: Orphanet 1871, MedGen C0730290, MONDO:0000455.

Submissions (3):

Lab De Baere, Eye and Developmental Genetics Lab, Ghent University
Classification: Pathogenic for Cone dystrophy. Last evaluated: 2024-10-01. Review status: criteria provided, single submitter. Criteria: ACMG Guidelines, 2015. Collection method: research. Allele origin: inherited. Affected: yes. Observed: 1 variant allele.
Comment: ACMG/AMP guidelines: PM2, PVS1

Labcorp Genetics (formerly Invitae), Labcorp
Classification: Pathogenic. Last evaluated: 2023-04-09. Review status: criteria provided, single submitter. Criteria: Invitae Variant Classification Sherloc (09022015). Collection method: clinical testing. Allele origin: germline.
Comment: This variant is not present in population databases (gnomAD no frequency). This sequence change affects a donor splice site in intron 43 of the ABCA4 gene. It is expected to disrupt RNA splicing. Variants that disrupt the donor or acceptor splice site typically lead to a loss of protein function (PMID: 16199547), and loss-of-function variants in ABCA4 are known to be pathogenic (PMID: 10958761, 24938718, 25312043, 26780318). Disruption of this splice site has been observed in individual(s) with Stargardt disease (PMID: 22229821, 30820146). In at least one individual the data is consistent with being in trans (on the opposite chromosome) from a pathogenic variant. For these reasons, this variant has been classified as Pathogenic. Algorithms developed to predict the effect of sequence changes on RNA splicing suggest that this variant may disrupt the consensus splice site. ClinVar contains an entry for this variant (Variation ID: 865769).

Blueprint Genetics
Classification: Pathogenic for ABCA4-related disorders. Last evaluated: 2018-08-31. Review status: criteria provided, single submitter. Criteria: ACMG Guidelines, 2015. Collection method: clinical testing. Allele origin: germline. Affected: yes. Observed: 4 variant alleles.

Literature cited by the submitters: PubMed 16199547 (cited by Labcorp Genetics (formerly Invitae), Labcorp); PubMed 10958761 (cited by Labcorp Genetics (formerly Invitae), Labcorp); PubMed 24938718 (cited by Labcorp Genetics (formerly Invitae), Labcorp); PubMed 25312043 (cited by Labcorp Genetics (formerly Invitae), Labcorp); PubMed 26780318 (cited by Labcorp Genetics (formerly Invitae), Labcorp); PubMed 22229821 (cited by Labcorp Genetics (formerly Invitae), Labcorp); PubMed 30820146 (cited by Labcorp Genetics (formerly Invitae), Labcorp).